The following is an entry in ClinVar:

NM_000868.4(HTR2C):c.55T>C (p.Leu19=)

Gene: HTR2C (5-hydroxytryptamine receptor 2C; plus strand). Cytogenetic location: Xq23.
Variant type: single nucleotide variant.
Coding change: c.55T>C on transcript NM_000868.4 (MANE Select); coding-DNA position 55, T replaced by C.
Protein change: p.Leu19=; no amino-acid change (leucine 19 retained).
Molecular consequence: synonymous variant.
Genome position (GRCh38, 1-based): chrX:114,731,313, T>C. VCF-style: chrX-114731313-T-C. GRCh37 (hg19) VCF-style: chrX-113965722-T-C.
Other names: c.55T>C, p.Leu19= (NM_001256760.3, NM_001256761.3).
Identifiers: ClinVar variation 3353616 (VCV003353616.1).
Genomic context (GRCh38, chrX:114,731,313, plus strand): 5'-ATAATATGTACCTGATTGTTTTTTTTTTTCTTAATTTTCAGTGTGCACCTAATTGGCCTA[T>C]TGGTTTGGCAATCTGATATTTCTGTGAGCCCAGTAGCAGCTATAGTAACTGACATTTTCA-3'
Protein context (NP_000859.2, residues 9-29): HSFLVHLIGL[Leu19=]VWQSDISVSP

ClinVar aggregate classification (germline): Likely benign (0 of 4 stars; one submission).

Conditions:
HTR2C-related disorder. Also called: HTR2C-related condition.

Submission:

PreventionGenetics, part of Exact Sciences
Classification: Likely benign for HTR2C-related condition. Last evaluated: 2024-05-31. Review status: no assertion criteria provided. Collection method: clinical testing. Allele origin: germline.
Comment: This variant is classified as likely benign based on ACMG/AMP sequence variant interpretation guidelines (Richards et al. 2015 PMID: 25741868, with internal and published modifications).